The following is an entry in ClinVar:

NM_013436.5(NCKAP1):c.155del (p.Asn52fs)

Gene: NCKAP1 (NCK associated protein 1; minus strand). Cytogenetic location: 2q32.1.
Variant type: Deletion.
Coding change: c.155del on transcript NM_013436.5 (MANE Select); coding-DNA position 155, one base deleted (A; older notation c.155delA).
Protein change: p.Asn52fs; shifts the reading frame from asparagine 52.
Molecular consequence: frameshift variant.
Genome position (GRCh38, 1-based): chr2:183,023,870, T deleted on the plus strand (A on the coding strand, the reverse complement: NCKAP1 is on the minus strand); the first of 5 consecutive T bases (chr2:183,023,870-183,023,874); deleting any one gives the same sequence. VCF-style (leftmost placement, unchanged base first): chr2-183023869-GT-G. GRCh37 (hg19) VCF-style: chr2-183888597-GT-G.
Other names: c.173del, p.Asn58fs (NM_205842.3); short protein forms N52fs, N58fs.
Identifiers: ClinVar variation 1708234 (VCV001708234.2), dbSNP rs2468723111, ClinGen allele CA2580065251.
Genomic context (GRCh38, chr2:183,023,869, plus strand): 5'-GTTGTTGCGGGTTTCTACAGCAGGGAATTTTCTGACTATGAATTTCACAGCAGATTCCAG[GT>G]TTTTGTCGATAAGATAGGATGGTTTTGCCTTGGGGTCTCCACATGCCTATAAAACAACAG-3'

ClinVar aggregate classification (germline): Likely pathogenic (1 of 4 stars; one submission).

Conditions:
Intellectual disability. Also called: intellectual disabilities; Intellectual functioning disability; Intellectual developmental disorder. Identifiers: MedGen C3714756, MeSH D008607, MONDO:0001071, HP:0001249.

Submission:

Genetics Laboratory, UDIAT-Centre Diagnòstic, Hospital Universitari Parc Tauli
Classification: Likely pathogenic for Intellectual disability. Last evaluated: 2022-10-04. Review status: criteria provided, single submitter. Criteria: Parc Tauli Hospital Assertion Criteria 2021. Collection method: clinical testing. Allele origin: paternal. Inheritance: Autosomal dominant inheritance. Affected: yes.
Comment: PVS1;PM2_supporting;